The following is an entry in ClinVar:

ClinVar aggregate classification (germline): Uncertain significance (1 of 4 stars; one submission).

Submission:

Labcorp Genetics (formerly Invitae), Labcorp
Classification: Uncertain significance. Last evaluated: 2025-09-30. Review status: criteria provided, single submitter. Criteria: Invitae Variant Classification Sherloc (09022015). Collection method: clinical testing. Allele origin: germline.
Comment: This variant, c.3354_3356dup, results in the insertion of 1 amino acid(s) of the NPAT protein (p.Lys1119dup), but otherwise preserves the integrity of the reading frame. This variant is present in population databases (rs775076392, gnomAD 0.02%). This variant has not been reported in the literature in individuals affected with NPAT-related conditions. ClinVar contains an entry for this variant (Variation ID: 2157104). In summary, the available evidence is currently insufficient to determine the role of this variant in disease. Therefore, it has been classified as a Variant of Uncertain Significance.

NM_002519.3(NPAT):c.3354_3356dup (p.Lys1119_Glu1120insLys)

Gene: NPAT (nuclear protein, coactivator of histone transcription; minus strand). Cytogenetic location: 11q22.3.
Variant type: Duplication.
Coding change: c.3354_3356dup on transcript NM_002519.3 (MANE Select); coding-DNA positions 3354 to 3356, 3 bases duplicated (GAA; older notation c.3354_3356dupGAA).
Protein change: p.Lys1119_Glu1120insLys.
Molecular consequence: inframe insertion.
Genome position (GRCh38, 1-based): chr11:108,161,730-108,161,732, TTC duplicated on the plus strand (GAA on the coding strand, the reverse complement: NPAT is on the minus strand); duplicating any 3 consecutive bases within chr11:108,161,730-108,161,733 gives the same sequence; the c. name uses the placement nearest the transcript's 3' end. VCF-style (leftmost placement, unchanged base first): chr11-108161729-T-TTTC. GRCh37 (hg19) VCF-style: chr11-108032456-T-TTTC.
Other names: c.3375_3377dup, p.Lys1126_Glu1127insLys (NM_001321307.1).
Identifiers: ClinVar variation 2157104 (VCV002157104.4), dbSNP rs775076392, ClinGen allele CA6263595.
Genomic context (GRCh38, chr11:108,161,729, plus strand): 5'-GGTATGCCGGCTAATGGCACTTTCCGATTTAGATAAAATCTTAGGCAGAGGAGGCTTCTC[T>TTTC]TTCTCTCTTTTGATAGCATTATTAGAAGGGGGTTTTAAGGTGGAGGACACATTGGGTGAG-3'